The following is an entry in ClinVar:

ClinVar aggregate classification (germline): Pathogenic. Review status: criteria provided, single submitter (1 of 4 stars). 2 submissions from 2 submitters: Pathogenic (1). 1 of the submissions does not count toward it. Last evaluated 2025-01-10.

Conditions:
Garg-Mishra progeroid syndrome (GMPGS). Identifiers: MedGen C5882717, MONDO:0957953, OMIM 620601.

Allele frequency attached by ClinVar (database versions not stated): gnomAD 0.00001; TOPMed 0.00003; ExAC 0.00004.
gnomAD v4.1: 13 of 1,613,858 alleles (0.00081%); highest among the groups gnomAD compares: East Asian, 0.029%; no homozygotes.

Submissions (2):

Ambry Genetics
Classification: Pathogenic. Last evaluated: 2025-01-10. Review status: criteria provided, single submitter. Criteria: Ambry Variant Classification Scheme 2023. Collection method: clinical testing. Allele origin: germline.
Comment: The c.86C>T (p.P29L) alteration is located in exon 1 (coding exon 1) of the TOMM7 gene. This alteration results from a C to T substitution at nucleotide position 86, causing the proline (P) at amino acid position 29 to be replaced by a leucine (L). Based on data from gnomAD, the T allele has an overall frequency of 0.005% (12/251470) total alleles studied. The highest observed frequency was 0.065% (12/18394) of East Asian alleles. This variant has been identified in the homozygous state in individual(s) with features consistent with TOMM7 deficiency syndrome and segregated with disease in at least one family (Garg, 2022; Li, 2024). This amino acid position is highly conserved in available vertebrate species. This alteration is predicted to be deleterious by in silico analysis. Based on the available evidence, this alteration is classified as pathogenic.

OMIM
Classification: Pathogenic for GARG-MISHRA PROGEROID SYNDROME. Last evaluated: 2023-11-13. Review status: no assertion criteria provided. Collection method: literature only. Allele origin: germline. Not counted in ClinVar's aggregate classification.

Literature cited by the submitters: PubMed 36282599 (cited by Ambry Genetics and OMIM); PubMed 39615461 (cited by Ambry Genetics).

NM_019059.5(TOMM7):c.86C>T (p.Pro29Leu)

Gene: TOMM7 (translocase of outer mitochondrial membrane 7; minus strand). Cytogenetic location: 7p15.3.
Variant type: single nucleotide variant.
Coding change: c.86C>T on transcript NM_019059.5 (MANE Select); coding-DNA position 86, C replaced by T.
Protein change: p.Pro29Leu; replaces proline 29 with leucine.
Molecular consequence: missense variant.
Genome position (GRCh38, 1-based): chr7:22,822,694, G>A on the plus strand (C>T on the coding strand, the complement: TOMM7 is on the minus strand). VCF-style: chr7-22822694-G-A. GRCh37 (hg19) VCF-style: chr7-22862313-G-A.
Other names: TOMM7, PRO29LEU (rs778567973); c.86C>T (NM_019059.2); short protein forms P29L.
Identifiers: ClinVar variation 2628316 (VCV002628316.2), dbSNP rs778567973, ClinGen allele CA4185607.
Genomic context (GRCh38, chr7:22,822,694, plus strand): 5'-CCCTCTTCCCTCCAGTCACTTTCCCGGTTCTTCTCCCACTGACCCAGGTAAATCACAAGA[G>A]GGATAAAGCCCCAGCGAATGGCAAACTGGCTCCCCTTGAAGAGCTGCTGTAGTCTCTGCT-3'
Protein context (NP_061932.1, residues 19-39): SQFAIRWGFI[Pro29Leu]LVIYLGFKRG